The following is an entry in ClinVar:

NM_006231.4(POLE):c.1344C>T (p.Ala448=)

Gene: POLE (DNA polymerase epsilon, catalytic subunit; minus strand). Cytogenetic location: 12q24.33.
Variant type: single nucleotide variant.
Coding change: c.1344C>T on transcript NM_006231.4 (MANE Select); coding-DNA position 1344, C replaced by T.
Protein change: p.Ala448=; no amino-acid change (alanine 448 retained).
Molecular consequence: synonymous variant.
Genome position (GRCh38, 1-based): chr12:132,673,590, G>A on the plus strand (C>T on the coding strand, the complement: POLE is on the minus strand). VCF-style: chr12-132673590-G-A. GRCh37 (hg19) VCF-style: chr12-133250176-G-A.
Identifiers: ClinVar variation 818903 (VCV000818903.14), dbSNP rs771963023, ClinGen allele CA6894001.

ClinVar aggregate classification (germline): Benign/Likely benign. Review status: criteria provided, multiple submitters, no conflicts (2 of 4 stars). 3 submissions from 3 submitters: Benign (1); Likely benign (2). Last evaluated 2025-02-10.

Conditions:
Hereditary cancer-predisposing syndrome. Also called: Tumor predisposition; Hereditary neoplastic syndrome; Neoplastic Syndromes, Hereditary; Hereditary Cancer Syndrome. Identifiers: Orphanet 140162, MedGen C0027672, MeSH D009386, MONDO:0015356.
Colorectal cancer, susceptibility to, 12 (CRCS12). Also called: COLORECTAL CANCER, SUSCEPTIBILITY TO, ON CHROMOSOME 12q24. Identifiers: Orphanet 220460, MedGen C3554460, MONDO:0014038, OMIM 615083.

Allele frequency attached by ClinVar (database versions not stated): ExAC 0.00001; gnomAD exomes 0.00001.
gnomAD v4.1: 7 of 1,612,824 alleles (0.00043%); highest among the groups gnomAD compares: Non-Finnish European, 0.00059%; no homozygotes.

Submissions (3):

Myriad Genetics, Inc.
Classification: Benign for Colorectal cancer, susceptibility to, 12. Last evaluated: 2025-02-10. Review status: criteria provided, single submitter. Criteria: Myriad Autosomal Dominant, Autosomal Recessive and X-Linked Classification Criteria (2023). Collection method: clinical testing. Allele origin: unknown.
Comment: This variant is considered benign. This variant is a silent/synonymous amino acid change and it is not expected to impact splicing.

Labcorp Genetics (formerly Invitae), Labcorp
Classification: Likely benign. Last evaluated: 2024-03-28. Review status: criteria provided, single submitter. Criteria: Invitae Variant Classification Sherloc (09022015). Collection method: clinical testing. Allele origin: germline.

Ambry Genetics
Classification: Likely benign for Hereditary cancer-predisposing syndrome. Last evaluated: 2019-02-25. Review status: criteria provided, single submitter. Criteria: Ambry Variant Classification Scheme 2023. Collection method: clinical testing. Allele origin: germline.